The following is an entry in ClinVar:

NM_001379286.1(ZNF423):c.1368C>T (p.Asp456=)

Gene: ZNF423 (zinc finger protein 423; minus strand). Cytogenetic location: 16q12.1.
Variant type: single nucleotide variant.
Coding change: c.1368C>T on transcript NM_001379286.1 (MANE Select); coding-DNA position 1368, C replaced by T.
Protein change: p.Asp456=; no amino-acid change (aspartic acid 456 retained).
Molecular consequence: synonymous variant.
Genome position (GRCh38, 1-based): chr16:49,637,808, G>A on the plus strand (C>T on the coding strand, the complement: ZNF423 is on the minus strand). VCF-style: chr16-49637808-G-A. GRCh37 (hg19) VCF-style: chr16-49671719-G-A.
Other names: c.1344C>T (NM_015069.4); c.1164C>T, p.Asp388= (NM_001271620.2); c.993C>T, p.Asp331= (NM_001330533.2); c.1344C>T, p.Asp448= (NM_015069.5).
Identifiers: ClinVar variation 781324 (VCV000781324.13), dbSNP rs146274919, ClinGen allele CA8046696.

ClinVar aggregate classification (germline): Likely benign. Review status: criteria provided, multiple submitters, no conflicts (2 of 4 stars). 3 submissions from 3 submitters: Likely benign (2). 1 of the submissions does not count toward it. Last evaluated 2025-07-03.

Conditions:
ZNF423-related disorder. Also called: ZNF423-related condition.
Nephronophthisis 14 (NPHP14). Identifiers: Orphanet 2318, MedGen C3539071, MONDO:0013916, OMIM 614844.

Allele frequency attached by ClinVar (database versions not stated): ExAC 0.00002; gnomAD exomes 0.00002 and 0.00003; gnomAD 0.00006 and 0.00007; TOPMed 0.00008; ESP Exome Variant Server 0.00023.
gnomAD v4.1: 31 of 1,614,076 alleles (0.0019%); highest among the groups gnomAD compares: African/African-American, 0.033%; no homozygotes.

Submissions (3):

Labcorp Genetics (formerly Invitae), Labcorp
Classification: Likely benign for Nephronophthisis 14. Last evaluated: 2025-07-03. Review status: criteria provided, single submitter. Criteria: Invitae Variant Classification Sherloc (09022015). Collection method: clinical testing. Allele origin: germline.

Blueprint Genetics
Classification: Likely benign. Last evaluated: 2022-11-07. Review status: criteria provided, single submitter. Criteria: ACMG Guidelines, 2015. Collection method: clinical testing. Allele origin: germline.

PreventionGenetics, part of Exact Sciences
Classification: Likely benign for ZNF423-related condition. Last evaluated: 2019-06-05. Review status: no assertion criteria provided. Collection method: clinical testing. Allele origin: germline. Not counted in ClinVar's aggregate classification.
Comment: This variant is classified as likely benign based on ACMG/AMP sequence variant interpretation guidelines (Richards et al. 2015 PMID: 25741868, with internal and published modifications).